The following is an entry in ClinVar:

ClinVar aggregate classification (germline): Uncertain significance (1 of 4 stars; one submission).

Conditions:
Curry-Hall syndrome (WAD). Also called: WEYERS ACRODENTAL DYSOSTOSIS. Identifiers: Orphanet 952, MedGen C0457013, MONDO:0008673, OMIM 193530.
Ellis-van Creveld syndrome (EVC). Also called: EVC-Related Ellis-van Creveld Syndrome; EVC2-Related Ellis-van Creveld Syndrome; MESOECTODERMAL DYSPLASIA; Chondroectodermal dysplasia. Identifiers: Orphanet 289, MedGen C0013903, MONDO:0009162, OMIM 225500.

gnomAD v4.1: 1 of 1,614,038 alleles (0.000062%); highest among the groups gnomAD compares: Admixed American, 0.0017%; no homozygotes.

Submission:

Labcorp Genetics (formerly Invitae), Labcorp
Classification: Uncertain significance for Curry-Hall syndrome; Ellis-van Creveld syndrome. Last evaluated: 2025-03-24. Review status: criteria provided, single submitter. Criteria: Invitae Variant Classification Sherloc (09022015). Collection method: clinical testing. Allele origin: germline.
Comment: This sequence change replaces leucine, which is neutral and non-polar, with valine, which is neutral and non-polar, at codon 671 of the EVC2 protein (p.Leu671Val). This variant is present in population databases (no rsID available, gnomAD 0.003%). This variant has not been reported in the literature in individuals affected with EVC2-related conditions. An algorithm developed to predict the effect of missense changes on protein structure and function (PolyPhen-2) suggests that this variant is likely to be disruptive. In summary, the available evidence is currently insufficient to determine the role of this variant in disease. Therefore, it has been classified as a Variant of Uncertain Significance.

NM_147127.5(EVC2):c.2011T>G (p.Leu671Val)

Gene: EVC2 (EvC ciliary complex subunit 2; minus strand). Cytogenetic location: 4p16.2.
Variant type: single nucleotide variant.
Coding change: c.2011T>G on transcript NM_147127.5 (MANE Select); coding-DNA position 2011, T replaced by G.
Protein change: p.Leu671Val; replaces leucine 671 with valine.
Molecular consequence: missense variant.
Genome position (GRCh38, 1-based): chr4:5,625,784, A>C on the plus strand (T>G on the coding strand, the complement: EVC2 is on the minus strand). VCF-style: chr4-5625784-A-C. GRCh37 (hg19) VCF-style: chr4-5627511-A-C.
Other names: c.1771T>G, p.Leu591Val (NM_001166136.2); short protein forms L591V, L671V.
Identifiers: ClinVar variation 3757722 (VCV003757722.2).